The following is an entry in ClinVar:

NM_033100.4(CDHR1):c.2480C>G (p.Pro827Arg)

Gene: CDHR1 (cadherin related family member 1; plus strand). Cytogenetic location: 10q23.1.
Variant type: single nucleotide variant.
Coding change: c.2480C>G on transcript NM_033100.4 (MANE Select); coding-DNA position 2480, C replaced by G.
Protein change: p.Pro827Arg; replaces proline 827 with arginine.
Molecular consequence: missense variant. On other transcripts: intron variant (1).
Genome position (GRCh38, 1-based): chr10:84,214,521, C>G. VCF-style: chr10-84214521-C-G. GRCh37 (hg19) VCF-style: chr10-85974277-C-G.
Other names: c.2040+1173C>G (NM_001171971.3); short protein forms P827R.
Identifiers: ClinVar variation 1500991 (VCV001500991.7), dbSNP rs779506713, ClinGen allele CA5580252.
Genomic context (GRCh38, chr10:84,214,521, plus strand): 5'-CCCAGTGGACCGTGCCTACTGTCTCTGGCTCTCTCACTCCGCAGCCGACCCAACCCCCGC[C>G]AAAACCCAAAACTATGGGAAGCCCCGTCCAGTCAACTCTGATCTCTGAGCTCAAGCAAAA-3'
Protein context (NP_149091.1, residues 817-837): SLTPQPTQPP[Pro827Arg]KPKTMGSPVQ

ClinVar aggregate classification (germline): Uncertain significance. Review status: criteria provided, multiple submitters, no conflicts (2 of 4 stars). 2 submissions from 2 submitters: Uncertain significance (2). Last evaluated 2024-11-21.

Allele frequency attached by ClinVar (database versions not stated): ExAC 0.00001; gnomAD exomes 0.00001.
gnomAD v4.1: 8 of 1,603,832 alleles (0.0005%); highest among the groups gnomAD compares: Non-Finnish European, 0.00068%; no homozygotes.

Submissions (2):

Blueprint Genetics
Classification: Uncertain significance. Last evaluated: 2024-11-21. Review status: criteria provided, single submitter. Criteria: ACMG Guidelines, 2015. Collection method: clinical testing. Allele origin: germline.

Labcorp Genetics (formerly Invitae), Labcorp
Classification: Uncertain significance. Last evaluated: 2022-02-23. Review status: criteria provided, single submitter. Criteria: Invitae Variant Classification Sherloc (09022015). Collection method: clinical testing. Allele origin: germline.
Comment: In summary, the available evidence is currently insufficient to determine the role of this variant in disease. Therefore, it has been classified as a Variant of Uncertain Significance. Advanced modeling of protein sequence and biophysical properties (such as structural, functional, and spatial information, amino acid conservation, physicochemical variation, residue mobility, and thermodynamic stability) performed at Invitae indicates that this missense variant is not expected to disrupt CDHR1 protein function. This variant has not been reported in the literature in individuals affected with CDHR1-related conditions. This variant is present in population databases (rs779506713, gnomAD 0.0009%). This sequence change replaces proline, which is neutral and non-polar, with arginine, which is basic and polar, at codon 827 of the CDHR1 protein (p.Pro827Arg).